The following is an entry in ClinVar:

NM_016356.5(DCDC2):c.1318C>T (p.Gln440Ter)

Gene: DCDC2 (doublecortin domain containing 2; minus strand). Cytogenetic location: 6p22.3.
Variant type: single nucleotide variant.
Coding change: c.1318C>T on transcript NM_016356.5 (MANE Select); coding-DNA position 1318, C replaced by T.
Protein change: p.Gln440Ter; replaces glutamine 440 with a stop codon.
Molecular consequence: nonsense.
Genome position (GRCh38, 1-based): chr6:24,178,338, G>A on the plus strand (C>T on the coding strand, the complement: DCDC2 is on the minus strand). VCF-style: chr6-24178338-G-A. GRCh37 (hg19) VCF-style: chr6-24178566-G-A.
Other names: c.1318C>T, p.Gln440Ter (NM_001195610.2); short protein forms Q440*.
Identifiers: ClinVar variation 2112166 (VCV002112166.4), dbSNP rs751396384, ClinGen allele CA3654463.

ClinVar aggregate classification (germline): Uncertain significance (1 of 4 stars; one submission).

Conditions:
Isolated neonatal sclerosing cholangitis (NSC). Also called: Sclerosing cholangitis, neonatal. Identifiers: Orphanet 480556, MedGen C4479344, MONDO:0018816, OMIM 617394.
Autosomal recessive nonsyndromic hearing loss 66 (DFNB66). Also called: Deafness, autosomal recessive 66. Identifiers: Orphanet 90636, MedGen C1857750, MONDO:0012442, OMIM 610212.

Allele frequency attached by ClinVar (database versions not stated): ExAC 0.00001; gnomAD 0.00001.
gnomAD v4.1: 1 of 1,613,066 alleles (0.000062%); highest among the groups gnomAD compares: African/African-American, 0.0013%; no homozygotes.

Submission:

Labcorp Genetics (formerly Invitae), Labcorp
Classification: Uncertain significance for Autosomal recessive nonsyndromic hearing loss 66; Isolated neonatal sclerosing cholangitis. Last evaluated: 2025-06-12. Review status: criteria provided, single submitter. Criteria: Invitae Variant Classification Sherloc (09022015). Collection method: clinical testing. Allele origin: germline.
Comment: This sequence change creates a premature translational stop signal (p.Gln440*) in the DCDC2 gene. While this is not anticipated to result in nonsense mediated decay, it is expected to disrupt the last 37 amino acid(s) of the DCDC2 protein. This variant is present in population databases (rs751396384, gnomAD 0.01%). This variant has not been reported in the literature in individuals affected with DCDC2-related conditions. ClinVar contains an entry for this variant (Variation ID: 2112166). Experimental studies and prediction algorithms are not available or were not evaluated, and the functional significance of this variant is currently unknown. In summary, the available evidence is currently insufficient to determine the role of this variant in disease. Therefore, it has been classified as a Variant of Uncertain Significance.